The following is an entry in ClinVar:

NM_002693.3(POLG):c.1583A>G (p.Glu528Gly)

Gene: POLG (DNA polymerase gamma, catalytic subunit; minus strand). Cytogenetic location: 15q26.1.
Variant type: single nucleotide variant.
Coding change: c.1583A>G on transcript NM_002693.3 (MANE Select); coding-DNA position 1583, A replaced by G.
Protein change: p.Glu528Gly; replaces glutamic acid 528 with glycine.
Molecular consequence: missense variant.
Genome position (GRCh38, 1-based): chr15:89,326,914, T>C on the plus strand (A>G on the coding strand, the complement: POLG is on the minus strand). VCF-style: chr15-89326914-T-C. GRCh37 (hg19) VCF-style: chr15-89870145-T-C.
Other names: c.1583A>G, p.Glu528Gly (NM_001126131.2); short protein forms E528G.
Identifiers: ClinVar variation 4733082 (VCV004733082.1).
Genomic context (GRCh38, chr15:89,326,914, plus strand): 5'-ACAGGACCTTCCCAGAGACAACCCCTACCCTACCCTACCTCCCACCCATGCTCCCCACCT[T>C]CCTGATCCATGGGATCACCAGGGGCCCCAGCCCCCTCGATGGGCAACTTGCTGGCTGTGG-3'
Protein context (NP_002684.1, residues 518-538): AGAPGDPMDQ[Glu528Gly]DLGPCSEEEE

ClinVar aggregate classification (germline): Uncertain significance (1 of 4 stars; one submission).

Conditions:
Progressive sclerosing poliodystrophy (MTDPS4A). Also called: Mitochondrial DNA depletion syndrome 4A (Alpers type); ALPERS PROGRESSIVE INFANTILE POLIODYSTROPHY; NEURONAL DEGENERATION OF CHILDHOOD WITH LIVER DISEASE, PROGRESSIVE; Alpers Syndrome; ALPERS DIFFUSE DEGENERATION OF CEREBRAL GRAY MATTER WITH HEPATIC CIRRHOSIS; Alpers-Huttenlocher Syndrome. Identifiers: Orphanet 726, MedGen C0205710, MONDO:0008758, OMIM 203700.

gnomAD v4.1: 1 of 1,613,888 alleles (0.000062%); highest among the groups gnomAD compares: African/African-American, 0.0013%; no homozygotes.

Submission:

Labcorp Genetics (formerly Invitae), Labcorp
Classification: Uncertain significance for Progressive sclerosing poliodystrophy. Last evaluated: 2025-12-13. Review status: criteria provided, single submitter. Criteria: Invitae Variant Classification Sherloc (09022015). Collection method: clinical testing. Allele origin: germline.
Comment: This sequence change replaces glutamic acid, which is acidic and polar, with glycine, which is neutral and non-polar, at codon 528 of the POLG protein (p.Glu528Gly). This variant is present in population databases (rs770642457, gnomAD 0.007%). This variant has not been reported in the literature in individuals affected with POLG-related conditions. An algorithm developed to predict the effect of missense changes on protein structure and function (PolyPhen-2) suggests that this variant is likely to be disruptive. Algorithms developed to predict the effect of sequence changes on RNA splicing suggest that this variant may disrupt the consensus splice site. In summary, the available evidence is currently insufficient to determine the role of this variant in disease. Therefore, it has been classified as a Variant of Uncertain Significance.